The following is an entry in ClinVar:

NM_002693.3(POLG):c.3131T>C (p.Val1044Ala)

Gene: POLG (DNA polymerase gamma, catalytic subunit; minus strand). Cytogenetic location: 15q26.1.
Variant type: single nucleotide variant.
Coding change: c.3131T>C on transcript NM_002693.3 (MANE Select); coding-DNA position 3131, T replaced by C.
Protein change: p.Val1044Ala; replaces valine 1044 with alanine.
Molecular consequence: missense variant.
Genome position (GRCh38, 1-based): chr15:89,319,073, A>G on the plus strand (T>C on the coding strand, the complement: POLG is on the minus strand). VCF-style: chr15-89319073-A-G. GRCh37 (hg19) VCF-style: chr15-89862304-A-G.
Other names: c.3131T>C, p.Val1044Ala (NM_001126131.2); short protein forms V1044A.
Identifiers: ClinVar variation 129994 (VCV000129994.91), dbSNP rs150233690, ClinGen allele CA231404.

ClinVar aggregate classification (germline): Conflicting classifications of pathogenicity. Review status: criteria provided, conflicting classifications (1 of 4 stars). 18 submissions from 18 submitters: Uncertain significance (15); Likely benign (2). 1 of the submissions does not count toward it. Last evaluated 2026-08-24.

Conditions:
Progressive external ophthalmoplegia with mitochondrial DNA deletions, autosomal dominant 1 (PEOA1). Also called: PROGRESSIVE EXTERNAL OPHTHALMOPLEGIA, AUTOSOMAL DOMINANT 1; Autosomal Dominant Progressive External Ophthalmoplegia (adPEO). Identifiers: MedGen C1834846, MONDO:0024528, OMIM 157640.
Mitochondrial DNA depletion syndrome 4b. Also called: MNGIE, POLG-RELATED; Mitochondrial Neurogastrointestinal Encephalopathy Disease, POLG-Related. Identifiers: Orphanet 298, MedGen C3150914, MONDO:0013350, OMIM 613662.
POLG-related disorder. Also called: POLG-Related Spectrum Disorders; POLG-related condition; POLG-Related Disorders. Identifiers: MedGen C4763519.
Progressive sclerosing poliodystrophy (MTDPS4A). Also called: NEURONAL DEGENERATION OF CHILDHOOD WITH LIVER DISEASE, PROGRESSIVE; Alpers Syndrome; ALPERS DIFFUSE DEGENERATION OF CEREBRAL GRAY MATTER WITH HEPATIC CIRRHOSIS; Mitochondrial DNA depletion syndrome 4A (Alpers type); ALPERS PROGRESSIVE INFANTILE POLIODYSTROPHY; Alpers-Huttenlocher Syndrome. Identifiers: Orphanet 726, MedGen C0205710, MONDO:0008758, OMIM 203700.
Progressive external ophthalmoplegia with mitochondrial DNA deletions, autosomal recessive 1 (PEOB1). Also called: Progressive external ophthalmoplegia, autosomal recessive 1; Autosomal Recessive Progressive External Ophthalmoplegia (arPEO). Identifiers: Orphanet 254886, MedGen C4225153, MONDO:0009783, OMIM 258450.
Mitochondrial DNA depletion syndrome 1. Also called: Mitochondrial DNA depletion syndrome 1 (MNGIE type); POLIP SYNDROME; POLYNEUROPATHY, OPHTHALMOPLEGIA, LEUKOENCEPHALOPATHY, AND INTESTINAL PSEUDOOBSTRUCTION; Mitochondrial Neurogastrointestinal Encephalopathy Disease; MITOCHONDRIAL NEUROGASTROINTESTINAL ENCEPHALOPATHY SYNDROME, TYMP-RELATED; MNGIE, TYMP-RELATED. Identifiers: Orphanet 298, MedGen C4551995, MONDO:0011283, OMIM 603041.
Sensory ataxic neuropathy, dysarthria, and ophthalmoparesis (SANDO). Also called: Sensory ataxic neuropathy-dysarthria-ophthalmoparesis syndrome; Epilepsy, progressive myoclonic, type 5; SENSORY ATAXIC NEUROPATHY WITH MITOCHONDRIAL DNA DELETIONS, AUTOSOMAL RECESSIVE; Ataxia Neuropathy Spectrum (ANS). Identifiers: Orphanet 70595, MedGen C1843851, MONDO:0011835, OMIM 607459.
Inborn genetic diseases. Identifiers: MedGen C0950123, MeSH D030342.
Early-onset Parkinson disease 20. Also called: PARKINSON DISEASE 20, AUTOSOMAL RECESSIVE EARLY-ONSET. Identifiers: Orphanet 391411, MedGen C3809824, MONDO:0014233, OMIM 615530.
Hereditary spastic paraplegia. Also called: Familial spastic paraparesis. Identifiers: Orphanet 685, MedGen C0037773, MONDO:0019064. Disease mechanism: loss of function.
EEG abnormality. Also called: Electroencephalogram (EEG) abnormalities; EEG abnormalities. Identifiers: MedGen C0151611, HP:0002353.

Allele frequency attached by ClinVar (database versions not stated): gnomAD 0.00059 and 0.00062; TOPMed 0.00059; gnomAD exomes 0.00065 and 0.00084; ExAC 0.00075; ESP Exome Variant Server 0.00100.
gnomAD v4.1: 1,307 of 1,614,046 alleles (0.081%); highest among the groups gnomAD compares: Non-Finnish European, 0.097%; 3 homozygotes.

Submissions 1 to 8 of 18:

PreventionGenetics, part of Exact Sciences
Classification: Uncertain significance for POLG-related condition. Last evaluated: 2026-08-24. Review status: criteria provided, single submitter. Criteria: ACMG Guidelines, 2015. Collection method: clinical testing. Allele origin: germline.
Comment: The POLG c.3131T>C variant is predicted to result in the amino acid substitution p.Val1044Ala. This variant has been reported in the compound heterozygous state with another polymorphic variant in a patient with Alpers-like phenotype; however, the pathogenicity of this variant was not established (Isohanni et al. 2011. PubMed ID: 21357833). The c.3131T>C variant was also detected, along with another missense variant and a 5’ UTR variant, in an individual with liver fibrosis with portal hypertension (Stalke et al. 2018. PubMed ID: 28776642). Additionally, this variant was reported in the heterozygous state in a patient who presented with developmental delay, hypotonia, encephalopathy, seizure, and gastrointestinal reflux (Tang et al. 2011. PubMed ID: 21880868), as well as in a cohort of patients who presented with suspected multiple sclerosis (Traboulsee et al. 2017. PubMed ID: 28337550); however, in the latter study, this variant was also identified in an unaffected control. This variant is reported in 0.088% of alleles in individuals of European (non-Finnish) descent in gnomAD. At this time, the clinical significance of this variant is uncertain due to the absence of conclusive functional and genetic evidence.

GeneDx
Classification: Uncertain significance. Last evaluated: 2026-08-03. Review status: criteria provided, single submitter. Criteria: GeneDx Variant Classification Process June 2021. Collection method: clinical testing. Allele origin: germline.
Comment: Reported previously in an individual with severe encephalopathy, intractable epilepsy, an athetoid-ataxic movement disorder, and developmental regression, who also harbored a second POLG variant on the opposite allele. Please note that this second POLG variant is classified as benign by GeneDx (PMID: 21357833); Reported previously in a child with developmental delay, hypotonia, encephalopathy, seizure, intractable seizure, muscle weakness, gastrointestinal reflux in whom a second POLG variant was not described (PMID: 21880868); In silico analysis suggests that this missense variant does not alter protein structure/function; Reported previously in a patient with mtDNA depletion syndrome with liver fibrosis and portal hypertension who harbored a second POLG variant (phase unknown) (PMID: 28776642); This variant is associated with the following publications: (PMID: 28337550, 34426522, Singh2021[Poster], 32391929, 21357833, 21880868, Betler2024[Review], 28776642, 41347311)

CeGaT Center for Human Genetics Tuebingen
Classification: Uncertain significance. Last evaluated: 2026-05-01. Review status: criteria provided, single submitter. Criteria: CeGaT Center For Human Genetics Tuebingen Variant Classification Criteria Version 2. Collection method: clinical testing. Allele origin: germline. Affected: yes. Observed: 9 variant alleles.

Ambry Genetics
Classification: Uncertain significance for Inborn genetic diseases. Last evaluated: 2026-03-31. Review status: criteria provided, single submitter. Criteria: Ambry Variant Classification Scheme 2023. Collection method: clinical testing. Allele origin: germline.
Comment: The c.3131T>C (p.V1044A) alteration is located in exon 20 (coding exon 19) of the POLG gene. This alteration results from a T to C substitution at nucleotide position 3131, causing the valine (V) at amino acid position 1044 to be replaced by an alanine (A). Based on data from gnomAD, this allele has an overall frequency of 0.059% (167/282790) total alleles studied. The highest observed frequency was 0.088% (114/129114) of European (non-Finnish) alleles. In one study, this variant was detected in an individual with Alpers-like syndrome who also carried another POLG variant on the opposite chromosome; however, it was not clear how phase was determined (Isohanni, 2011). This variant was also detected in an individual with developmental delay, hypotonia, encephalopathy, intractable seizures who did not carry a second POLG variant (Tang, 2011). This amino acid position is not well conserved in available vertebrate species. The in silico prediction for this alteration is inconclusive. Based on insufficient or conflicting evidence, the clinical significance of this alteration remains unclear.

Labcorp Genetics (formerly Invitae), Labcorp
Classification: Likely benign for Progressive sclerosing poliodystrophy. Last evaluated: 2026-02-01. Review status: criteria provided, single submitter. Criteria: Invitae Variant Classification Sherloc (09022015). Collection method: clinical testing. Allele origin: germline.

Mayo Clinic Laboratories, Mayo Clinic
Classification: Uncertain significance. Last evaluated: 2025-05-10. Review status: criteria provided, single submitter. Criteria: ACMG Guidelines, 2015. Collection method: clinical testing. Allele origin: germline. Observed: 11 variant alleles.

Blueprint Genetics
Classification: Likely benign. Last evaluated: 2024-11-08. Review status: criteria provided, single submitter. Criteria: ACMG Guidelines, 2015. Collection method: clinical testing. Allele origin: germline.

Revvity Omics, Revvity
Classification: Uncertain significance. Last evaluated: 2023-11-06. Review status: criteria provided, single submitter. Criteria: ACMG Guidelines, 2015. Collection method: clinical testing. Allele origin: germline.